The following is an entry in ClinVar:

NM_002618.4(PEX13):c.871del (p.Ile291fs)

Gene: PEX13 (peroxisomal biogenesis factor 13; plus strand). Cytogenetic location: 2p15.
Variant type: Deletion.
Coding change: c.871del on transcript NM_002618.4 (MANE Select); coding-DNA position 871, one base deleted (A; older notation c.871delA).
Protein change: p.Ile291fs; shifts the reading frame from isoleucine 291.
Molecular consequence: frameshift variant.
Genome position (GRCh38, 1-based): chr2:61,045,809, A deleted; the last of 3 consecutive A bases (chr2:61,045,807-61,045,809); deleting any one gives the same sequence. VCF-style (leftmost placement, unchanged base first): chr2-61045806-GA-G. GRCh37 (hg19) VCF-style: chr2-61272941-GA-G.
Other names: short protein forms I291fs.
Identifiers: ClinVar variation 2859713 (VCV002859713.3), dbSNP rs2467527282, ClinGen allele CA2739274482.
Genomic context (GRCh38, chr2:61,045,806, plus strand): 5'-GGTGAGGATGACCATGTAGTTGCCAGAGCAGAATATGATTTTGCTGCCGTATCTGAAGAA[GA>G]AATTTCTTTCCGGGCTGGTGATATGCTGAACTTAGCTCTCAAAGGTAATAAATTATGAAT-3'

ClinVar aggregate classification (germline): Pathogenic (1 of 4 stars; one submission).

Conditions:
Peroxisome biogenesis disorder 11A (Zellweger). Also called: Peroxisome biogenesis disorder 11A. Identifiers: Orphanet 912, MedGen C3554000, MONDO:0013949, OMIM 614883.

Submission:

Labcorp Genetics (formerly Invitae), Labcorp
Classification: Pathogenic for Peroxisome biogenesis disorder 11A (Zellweger). Last evaluated: 2023-04-27. Review status: criteria provided, single submitter. Criteria: Invitae Variant Classification Sherloc (09022015). Collection method: clinical testing. Allele origin: germline.
Comment: For these reasons, this variant has been classified as Pathogenic. This variant disrupts a region of the PEX13 protein in which other variant(s) (p.Arg294Trp) have been determined to be pathogenic (PMID: 33190326, 35854306). This suggests that this is a clinically significant region of the protein, and that variants that disrupt it are likely to be disease-causing. This variant has not been reported in the literature in individuals affected with PEX13-related conditions. This variant is not present in population databases (gnomAD no frequency). This sequence change creates a premature translational stop signal (p.Ile291Phefs*9) in the PEX13 gene. While this is not anticipated to result in nonsense mediated decay, it is expected to disrupt the last 113 amino acid(s) of the PEX13 protein.

Literature cited by the submitters: PubMed 33190326; PubMed 35854306.